The following is an entry in ClinVar:

NM_001035.3(RYR2):c.7895C>T (p.Ala2632Val)

Gene: RYR2 (ryanodine receptor 2; plus strand). Cytogenetic location: 1q43.
Variant type: single nucleotide variant.
Coding change: c.7895C>T on transcript NM_001035.3 (MANE Select); coding-DNA position 7895, C replaced by T.
Protein change: p.Ala2632Val; replaces alanine 2632 with valine.
Molecular consequence: missense variant.
Genome position (GRCh38, 1-based): chr1:237,654,344, C>T. VCF-style: chr1-237654344-C-T. GRCh37 (hg19) VCF-style: chr1-237817644-C-T.
Other names: short protein forms A2632V.
Identifiers: ClinVar variation 941880 (VCV000941880.15), dbSNP rs1218556750, ClinGen allele CA345400331.

ClinVar aggregate classification (germline): Uncertain significance. Review status: criteria provided, multiple submitters, no conflicts (2 of 4 stars). 4 submissions from 4 submitters: Uncertain significance (4). Last evaluated 2025-08-25.

Conditions:
Cardiovascular phenotype. Identifiers: MedGen CN230736.
Arrhythmogenic right ventricular dysplasia 2. Identifiers: MedGen C1832931.
Ventricular arrhythmias due to cardiac ryanodine receptor calcium release deficiency syndrome. Also called: Autosomal dominant cardiac arrhythmia (Kuhn). Identifiers: MedGen C5542154, MONDO:0020745, OMIM 115000.
Catecholaminergic polymorphic ventricular tachycardia 1. Also called: RYR2-Related Catecholaminergic Polymorphic Ventricular Tachycardia; VENTRICULAR TACHYCARDIA, CATECHOLAMINERGIC POLYMORPHIC, 1, WITH OR WITHOUT ATRIAL DYSFUNCTION AND/OR DILATED CARDIOMYOPATHY; VENTRICULAR TACHYCARDIA, STRESS-INDUCED POLYMORPHIC 1. Identifiers: Orphanet 3286, MedGen C1631597, MONDO:0011484, OMIM 604772.
Catecholaminergic polymorphic ventricular tachycardia (CVPT). Also called: Catecholamine-induced polymorphic ventricular tachycardia. Identifiers: Orphanet 3286, MedGen C5574922, MONDO:0017990.

Allele frequency attached by ClinVar (database versions not stated): gnomAD exomes 0.00002 and below 0.00001.
gnomAD v4.1: 24 of 1,613,950 alleles (0.0015%); highest among the groups gnomAD compares: Non-Finnish European, 0.002%; no homozygotes.

Submissions (4):

Labcorp Genetics (formerly Invitae), Labcorp
Classification: Uncertain significance for Catecholaminergic polymorphic ventricular tachycardia 1. Last evaluated: 2025-08-25. Review status: criteria provided, single submitter. Criteria: Invitae Variant Classification Sherloc (09022015). Collection method: clinical testing. Allele origin: germline.
Comment: This sequence change replaces alanine, which is neutral and non-polar, with valine, which is neutral and non-polar, at codon 2632 of the RYR2 protein (p.Ala2632Val). This variant is present in population databases (no rsID available, gnomAD 0.0009%). This variant has not been reported in the literature in individuals affected with RYR2-related conditions. ClinVar contains an entry for this variant (Variation ID: 941880). Invitae Evidence Modeling of protein sequence and biophysical properties (such as structural, functional, and spatial information, amino acid conservation, physicochemical variation, residue mobility, and thermodynamic stability) indicates that this missense variant is not expected to disrupt RYR2 protein function with a negative predictive value of 95%. In summary, the available evidence is currently insufficient to determine the role of this variant in disease. Therefore, it has been classified as a Variant of Uncertain Significance.

Ambry Genetics
Classification: Uncertain significance for Cardiovascular phenotype. Last evaluated: 2025-02-28. Review status: criteria provided, single submitter. Criteria: Ambry Variant Classification Scheme 2023. Collection method: clinical testing. Allele origin: germline.
Comment: The p.A2632V variant (also known as c.7895C>T), located in coding exon 52 of the RYR2 gene, results from a C to T substitution at nucleotide position 7895. The alanine at codon 2632 is replaced by valine, an amino acid with similar properties. This amino acid position is well conserved in available vertebrate species. In addition, the in silico prediction for this alteration is inconclusive. Based on the available evidence, the clinical significance of this variant remains unclear.

All of Us Research Program, National Institutes of Health
Classification: Uncertain significance for Catecholaminergic polymorphic ventricular tachycardia. Last evaluated: 2024-07-29. Review status: criteria provided, single submitter. Criteria: ACMG Guidelines, 2015. Collection method: clinical testing. Allele origin: germline. Inheritance: Autosomal dominant inheritance. Observed: 2 variant alleles, 2 heterozygotes.
Comment: This missense variant replaces alanine with valine at codon 2632 of the RYR2 protein. Computational prediction suggests that this variant may not impact protein structure and function (internally defined REVEL score threshold <= 0.5, PMID: 27666373). To our knowledge, functional studies have not been reported for this variant. This variant has not been reported in individuals affected with cardiovascular disorders in the literature. This variant has been identified in 1/249234 chromosomes in the general population by the Genome Aggregation Database (gnomAD). The available evidence is insufficient to determine the role of this variant in disease conclusively. Therefore, this variant is classified as a Variant of Uncertain Significance.

This study involves interpretation of variants in research participants for the purpose of population health screening. Participant phenotype was not available at the time of variant classification. Additional details can be found in publication PMID: 35346344, PMCID: PMC8962531

Fulgent Genetics
Classification: Uncertain significance for Ventricular arrhythmias due to cardiac ryanodine receptor calcium release deficiency syndrome; Catecholaminergic polymorphic ventricular tachycardia 1. Last evaluated: 2021-08-27. Review status: criteria provided, single submitter. Criteria: ACMG Guidelines, 2015. Collection method: clinical testing. Allele origin: unknown.